The following is an entry in ClinVar:

NM_053025.4(MYLK):c.2926C>A (p.Pro976Thr)

Gene: MYLK (myosin light chain kinase; minus strand). Cytogenetic location: 3q21.1.
Variant type: single nucleotide variant.
Coding change: c.2926C>A on transcript NM_053025.4 (MANE Select); coding-DNA position 2926, C replaced by A.
Protein change: p.Pro976Thr; replaces proline 976 with threonine.
Molecular consequence: missense variant.
Genome position (GRCh38, 1-based): chr3:123,700,542, G>T on the plus strand (C>A on the coding strand, the complement: MYLK is on the minus strand). VCF-style: chr3-123700542-G-T. GRCh37 (hg19) VCF-style: chr3-123419389-G-T.
Other names: c.2398C>A, p.Pro800Thr (NM_001321309.2); c.2719C>A, p.Pro907Thr (NM_053026.4, NM_053028.4); c.2926C>A, p.Pro976Thr (NM_053027.4); short protein forms P976T, P800T, P907T.
Identifiers: ClinVar variation 2732776 (VCV002732776.3), dbSNP rs139107387, ClinGen allele CA354230697.

ClinVar aggregate classification (germline): Uncertain significance (1 of 4 stars; one submission).

Conditions:
Aortic aneurysm, familial thoracic 7 (AAT7). Also called: AORTIC DISSECTION, FAMILIAL, WITH OR WITHOUT AORTIC ANEURYSM. Identifiers: MedGen C3151077, MONDO:0013418, OMIM 613780.

gnomAD v4.1: 1 of 1,613,722 alleles (0.000062%); highest among the groups gnomAD compares: African/African-American, 0.0013%; no homozygotes.

Submission:

Labcorp Genetics (formerly Invitae), Labcorp
Classification: Uncertain significance for Aortic aneurysm, familial thoracic 7. Last evaluated: 2023-11-12. Review status: criteria provided, single submitter. Criteria: Invitae Variant Classification Sherloc (09022015). Collection method: clinical testing. Allele origin: germline.
Comment: This sequence change replaces proline, which is neutral and non-polar, with threonine, which is neutral and polar, at codon 976 of the MYLK protein (p.Pro976Thr). This variant is present in population databases (no rsID available, gnomAD 0.007%). This variant has not been reported in the literature in individuals affected with MYLK-related conditions. Advanced modeling of protein sequence and biophysical properties (such as structural, functional, and spatial information, amino acid conservation, physicochemical variation, residue mobility, and thermodynamic stability) performed at Invitae indicates that this missense variant is not expected to disrupt MYLK protein function with a negative predictive value of 80%. In summary, the available evidence is currently insufficient to determine the role of this variant in disease. Therefore, it has been classified as a Variant of Uncertain Significance.